The following is an entry in ClinVar:

NM_001382391.1(CSPP1):c.1315G>A (p.Ala439Thr)

Gene: CSPP1 (centrosome and spindle pole associated protein 1; plus strand). Cytogenetic location: 8q13.2.
Variant type: single nucleotide variant.
Coding change: c.1315G>A on transcript NM_001382391.1 (MANE Select); coding-DNA position 1315, G replaced by A.
Protein change: p.Ala439Thr; replaces alanine 439 with threonine.
Molecular consequence: missense variant.
Genome position (GRCh38, 1-based): chr8:67,115,941, G>A. VCF-style: chr8-67115941-G-A. GRCh37 (hg19) VCF-style: chr8-68028176-G-A.
Other names: c.418G>A, p.Ala140Thr (NM_001291339.2); c.1234G>A, p.Ala412Thr (NM_001363131.2); c.1273G>A, p.Ala425Thr (NM_001363132.2); c.1192G>A, p.Ala398Thr (NM_001363133.2); c.1381G>A, p.Ala461Thr (NM_001364869.1); c.1201G>A, p.Ala401Thr (NM_001364870.1); c.1300G>A, p.Ala434Thr (NM_024790.7); short protein forms A401T, A412T, A140T, A425T, A434T, A439T, A461T, A398T.
Identifiers: ClinVar variation 1443151 (VCV001443151.5), dbSNP rs1460794902, ClinGen allele CA371198141.
Genomic context (GRCh38, chr8:67,115,941, plus strand): 5'-ATGTAACAAACAGATTTTTTTTCTTTATTTTAGCCTGATAGACTAAAGCAGTTTAGTGTG[G>A]CACCAAGACACTTTGAAGAGATGATACCACCTGAAAGACCCAGAATAGCTTTCCAGACAC-3'
Protein context (NP_001369320.1, residues 429-449): EPDRLKQFSV[Ala439Thr]PRHFEEMIPP

ClinVar aggregate classification (germline): Uncertain significance (1 of 4 stars; one submission).

Conditions:
Joubert syndrome 21 (JBTS21). Identifiers: MedGen C3810212, MONDO:0014288, OMIM 615636.

Allele frequency attached by ClinVar (database versions not stated): TOPMed below 0.00001; gnomAD 0.00001.
gnomAD v4.1: 1 of 1,613,594 alleles (0.000062%); highest among the groups gnomAD compares: Non-Finnish European, 0.000085%; no homozygotes.

Submission:

Labcorp Genetics (formerly Invitae), Labcorp
Classification: Uncertain significance for Joubert syndrome 21. Last evaluated: 2024-02-24. Review status: criteria provided, single submitter. Criteria: Invitae Variant Classification Sherloc (09022015). Collection method: clinical testing. Allele origin: germline.
Comment: This sequence change replaces alanine, which is neutral and non-polar, with threonine, which is neutral and polar, at codon 434 of the CSPP1 protein (p.Ala434Thr). This variant is not present in population databases (gnomAD no frequency). This variant has not been reported in the literature in individuals affected with CSPP1-related conditions. ClinVar contains an entry for this variant (Variation ID: 1443151). Algorithms developed to predict the effect of missense changes on protein structure and function output the following: SIFT: "Not Available"; PolyPhen-2: "Benign"; Align-GVGD: "Not Available". The threonine amino acid residue is found in multiple mammalian species, which suggests that this missense change does not adversely affect protein function. In summary, the available evidence is currently insufficient to determine the role of this variant in disease. Therefore, it has been classified as a Variant of Uncertain Significance.